The following is an entry in ClinVar:

ClinVar aggregate classification (germline): Uncertain significance (1 of 4 stars; one submission).

Conditions:
Hereditary cancer-predisposing syndrome. Also called: Hereditary Cancer Syndrome; Tumor predisposition; Hereditary neoplastic syndrome; Neoplastic Syndromes, Hereditary. Identifiers: Orphanet 140162, MedGen C0027672, MeSH D009386, MONDO:0015356.

Submission:

Ambry Genetics
Classification: Uncertain significance for Hereditary cancer-predisposing syndrome. Last evaluated: 2024-05-16. Review status: criteria provided, single submitter. Criteria: Ambry Variant Classification Scheme 2023. Collection method: clinical testing. Allele origin: germline.
Comment: The p.A806G variant (also known as c.2417C>G), located in coding exon 9 of the BRCA1 gene, results from a C to G substitution at nucleotide position 2417. The alanine at codon 806 is replaced by glycine, an amino acid with similar properties. This amino acid position is not well conserved in available vertebrate species. In addition, this alteration is predicted to be tolerated by in silico analysis. Based on the available evidence, the clinical significance of this variant remains unclear.

NM_007294.4(BRCA1):c.2417C>G (p.Ala806Gly)

Gene: BRCA1 (BRCA1 DNA repair associated; minus strand). Cytogenetic location: 17q21.31.
Variant type: single nucleotide variant.
Coding change: c.2417C>G on transcript NM_007294.4 (MANE Select); coding-DNA position 2417, C replaced by G.
Protein change: p.Ala806Gly; replaces alanine 806 with glycine.
Molecular consequence: missense variant. On other transcripts: intron variant (137).
Genome position (GRCh38, 1-based): chr17:43,093,114, G>C on the plus strand (C>G on the coding strand, the complement: BRCA1 is on the minus strand). VCF-style: chr17-43093114-G-C. GRCh37 (hg19) VCF-style: chr17-41245131-G-C.
Other names: c.2417C>G, p.Ala806Gly (NM_001407581.1, NM_001407582.1, NM_001407585.1 and 30 more transcripts); c.2204C>G, p.Ala735Gly (NM_001407571.1, NM_001407853.1, NM_001407894.1 and 9 more transcripts); c.2414C>G, p.Ala805Gly (NM_001407587.1, NM_001407590.1, NM_001407633.1 and 22 more transcripts); c.2408C>G, p.Ala803Gly (NM_001407646.1, NM_001407647.1); c.2294C>G, p.Ala765Gly (NM_001407648.1, NM_001407664.1, NM_001407665.1 and 19 more transcripts); c.2291C>G, p.Ala764Gly (NM_001407649.1, NM_001407670.1, NM_001407671.1 and 11 more transcripts); c.2339C>G, p.Ala780Gly (NM_001407653.1, NM_001407654.1, NM_001407655.1 and 4 more transcripts); c.2336C>G, p.Ala779Gly (NM_001407659.1, NM_001407660.1, NM_001407661.1 and 1 more transcripts); and 41 more; short protein forms A510G, A679G, A694G, A695G, A779G, A717G, A736G, A739G.
Identifiers: ClinVar variation 3261478 (VCV003261478.1).